The following is an entry in ClinVar:

ClinVar aggregate classification (germline): Uncertain significance (1 of 4 stars; one submission).

Conditions:
Inborn genetic diseases. Identifiers: MedGen C0950123, MeSH D030342.

Submission:

Ambry Genetics
Classification: Uncertain significance for Inborn genetic diseases. Last evaluated: 2025-07-20. Review status: criteria provided, single submitter. Criteria: Ambry Variant Classification Scheme 2023. Collection method: clinical testing. Allele origin: germline.
Comment: The p.G976E variant (also known as c.2927G>A), located in coding exon 1 of the SAMD9 gene, results from a G to A substitution at nucleotide position 2927. The glycine at codon 976 is replaced by glutamic acid, an amino acid with similar properties. This amino acid position is conserved. In addition, this alteration is predicted to be tolerated by in silico analysis. Based on the available evidence, the clinical significance of this variant remains unclear.

NM_017654.4(SAMD9):c.2927G>A (p.Gly976Glu)

Gene: SAMD9 (sterile alpha motif domain containing 9; minus strand). Cytogenetic location: 7q21.2.
Variant type: single nucleotide variant.
Coding change: c.2927G>A on transcript NM_017654.4 (MANE Select); coding-DNA position 2927, G replaced by A.
Protein change: p.Gly976Glu; replaces glycine 976 with glutamic acid.
Molecular consequence: missense variant.
Genome position (GRCh38, 1-based): chr7:93,103,171, C>T on the plus strand (G>A on the coding strand, the complement: SAMD9 is on the minus strand). VCF-style: chr7-93103171-C-T. GRCh37 (hg19) VCF-style: chr7-92732484-C-T.
Other names: c.2927G>A, p.Gly976Glu (NM_001193307.2); short protein forms G976E.
Identifiers: ClinVar variation 4159091 (VCV004159091.1).